The following is an entry in ClinVar:

ClinVar aggregate classification (germline): Uncertain significance. Review status: criteria provided, multiple submitters, no conflicts (2 of 4 stars). 3 submissions from 3 submitters: Uncertain significance (3). Last evaluated 2024-05-11.

Conditions:
Familial cancer of breast. Also called: hereditary breast carcinoma; BREAST CANCER, FAMILIAL; Hereditary breast cancer. Identifiers: Orphanet 227535, MedGen C0346153, MONDO:0016419, OMIM 114480. Disease mechanism: loss of function.
Fanconi anemia complementation group J. Also called: BRIP1-Related Fanconi Anemia. Identifiers: Orphanet 84, MedGen C1836860, MONDO:0012187, OMIM 609054.
Hereditary cancer-predisposing syndrome. Also called: Hereditary Cancer Syndrome; Hereditary neoplastic syndrome; Neoplastic Syndromes, Hereditary; Tumor predisposition. Identifiers: Orphanet 140162, MedGen C0027672, MeSH D009386, MONDO:0015356.

Submissions (3):

Ambry Genetics
Classification: Uncertain significance for Hereditary cancer-predisposing syndrome. Last evaluated: 2024-05-11. Review status: criteria provided, single submitter. Criteria: Ambry Variant Classification Scheme 2023. Collection method: clinical testing. Allele origin: germline.
Comment: The p.T630A variant (also known as c.1888A>G), located in coding exon 12 of the BRIP1 gene, results from an A to G substitution at nucleotide position 1888. The threonine at codon 630 is replaced by alanine, an amino acid with similar properties. This amino acid position is conserved. In addition, this alteration is predicted to be tolerated by in silico analysis. Based on the available evidence, the clinical significance of this variant remains unclear.

Color Diagnostics, LLC DBA Color Health
Classification: Uncertain significance for Hereditary cancer-predisposing syndrome. Last evaluated: 2024-03-07. Review status: criteria provided, single submitter. Criteria: ACMG Guidelines, 2015. Collection method: clinical testing. Allele origin: germline.
Comment: This missense variant replaces threonine with alanine at codon 630 of the BRIP1 protein. Computational prediction tool suggests that this variant may not impact protein structure and function (internally defined REVEL score threshold <=0.5, PMID: 27666373). Splice site prediction tools suggest that this variant may not impact RNA splicing. To our knowledge, functional studies have not been performed for this variant. This variant has not been reported in individuals affected with hereditary cancer in the literature. This variant has not been identified in the general population by the Genome Aggregation Database (gnomAD). The available evidence is insufficient to determine the role of this variant in disease conclusively. Therefore, this variant is classified as a Variant of Uncertain Significance.

Labcorp Genetics (formerly Invitae), Labcorp
Classification: Uncertain significance for Familial cancer of breast; Fanconi anemia complementation group J. Last evaluated: 2023-09-21. Review status: criteria provided, single submitter. Criteria: Invitae Variant Classification Sherloc (09022015). Collection method: clinical testing. Allele origin: germline.
Comment: In summary, the available evidence is currently insufficient to determine the role of this variant in disease. Therefore, it has been classified as a Variant of Uncertain Significance. Advanced modeling of protein sequence and biophysical properties (such as structural, functional, and spatial information, amino acid conservation, physicochemical variation, residue mobility, and thermodynamic stability) performed at Invitae indicates that this missense variant is not expected to disrupt BRIP1 protein function. ClinVar contains an entry for this variant (Variation ID: 921850). This variant has not been reported in the literature in individuals affected with BRIP1-related conditions. This variant is not present in population databases (gnomAD no frequency). This sequence change replaces threonine, which is neutral and polar, with alanine, which is neutral and non-polar, at codon 630 of the BRIP1 protein (p.Thr630Ala).

NM_032043.3(BRIP1):c.1888A>G (p.Thr630Ala)

Gene: BRIP1 (BRCA1 interacting DNA helicase 1; minus strand). Cytogenetic location: 17q23.2.
Variant type: single nucleotide variant.
Coding change: c.1888A>G on transcript NM_032043.3 (MANE Select); coding-DNA position 1888, A replaced by G.
Protein change: p.Thr630Ala; replaces threonine 630 with alanine.
Molecular consequence: missense variant.
Genome position (GRCh38, 1-based): chr17:61,780,308, T>C on the plus strand (A>G on the coding strand, the complement: BRIP1 is on the minus strand). VCF-style: chr17-61780308-T-C. GRCh37 (hg19) VCF-style: chr17-59857669-T-C.
Other names: short protein forms T630A.
Identifiers: ClinVar variation 921850 (VCV000921850.8), dbSNP rs2077595608, ClinGen allele CA400479337.
Genomic context (GRCh38, chr17:61,780,308, plus strand): 5'-AACAACAACTAACCTGTGAATTTTTAATGATATGATTAGCCTCCAGCTGGATAGTAAATG[T>C]AACACCAAGTTCTGACGAAAAGGATTTCATTGGTGATAATGTACCAGATGTCAAAACAAT-3'
Protein context (NP_114432.2, residues 620-640): MKSFSSELGV[Thr630Ala]FTIQLEANHI